The following is an entry in ClinVar:

ClinVar aggregate classification (germline): Likely benign (1 of 4 stars; one submission).

Allele frequency attached by ClinVar (database versions not stated): gnomAD exomes below 0.00001.
gnomAD v4.1: 1 of 1,613,242 alleles (0.000062%); highest among the groups gnomAD compares: Non-Finnish European, 0.000085%; no homozygotes.

Submission:

CeGaT Center for Human Genetics Tuebingen
Classification: Likely benign. Last evaluated: 2022-08-01. Review status: criteria provided, single submitter. Criteria: CeGaT Center For Human Genetics Tuebingen Variant Classification Criteria Version 2. Collection method: clinical testing. Allele origin: germline. Affected: yes. Observed: 1 variant allele.
Comment: KTN1: PM2:Supporting, BP4, BP7

NM_001079521.2(KTN1):c.3720A>G (p.Lys1240=)

Gene: KTN1 (kinectin 1; plus strand). Cytogenetic location: 14q22.3.
Variant type: single nucleotide variant.
Coding change: c.3720A>G on transcript NM_001079521.2 (MANE Select); coding-DNA position 3720, A replaced by G.
Protein change: p.Lys1240=; no amino-acid change (lysine 1240 retained).
Molecular consequence: synonymous variant. On other transcripts: non-coding transcript variant (5), intron variant (22).
Genome position (GRCh38, 1-based): chr14:55,673,204, A>G. VCF-style: chr14-55673204-A-G. GRCh37 (hg19) VCF-style: chr14-56139922-A-G.
Other names: c.3720A>G, p.Lys1240= (NM_001402682.1); c.3651A>G, p.Lys1217= (NM_001402683.1); c.3633A>G, p.Lys1211= (NM_001402687.1, NM_001402688.1, NM_001402689.1); c.3564A>G, p.Lys1188= (NM_001402692.1); c.3543A>G, p.Lys1181= (NM_001402698.1); c.3168A>G, p.Lys1056= (NM_001402703.1); c.3081A>G, p.Lys1027= (NM_001402706.1); c.3687+192A>G (NM_001402686.1, NM_001271014.2, NM_001402685.1); and 12 more.
Identifiers: ClinVar variation 2644255 (VCV002644255.24), dbSNP rs2504518111, ClinGen allele CA486513041.